The following is an entry in ClinVar:

ClinVar aggregate classification (germline): Uncertain significance. Review status: criteria provided, multiple submitters, no conflicts (2 of 4 stars). 6 submissions from 6 submitters: Uncertain significance (6). Last evaluated 2026-01-26.

Conditions:
RYR1-related disorder. Also called: RYR1-related disorders; RYR1-related condition. Identifiers: MedGen CN239331.
Malignant hyperthermia, susceptibility to, 1 (MHS1). Also called: Malignant hyperthermia suceptibility 1; RYR1-Related Malignant Hyperthermia Susceptibility; Anesthesia related hyperthermia; Malignant hyperpyrexia; Fulminating hyperpyrexia; Pharmacogenic myopathy. Identifiers: Orphanet 423, MedGen C2930980, MONDO:0007783, OMIM 145600.

Allele frequency attached by ClinVar (database versions not stated): gnomAD 0.00001 and 0.00002; TOPMed 0.00004.
gnomAD v4.1: 45 of 1,613,852 alleles (0.0028%); highest among the groups gnomAD compares: Non-Finnish European, 0.0035%; no homozygotes.

Submissions (6):

Labcorp Genetics (formerly Invitae), Labcorp
Classification: Uncertain significance for RYR1-related disorder. Last evaluated: 2026-01-26. Review status: criteria provided, single submitter. Criteria: Invitae Variant Classification Sherloc (09022015). Collection method: clinical testing. Allele origin: germline.
Comment: This sequence change replaces glycine, which is neutral and non-polar, with arginine, which is basic and polar, at codon 2183 of the RYR1 protein (p.Gly2183Arg). This variant is present in population databases (rs774275648, gnomAD 0.01%). This missense change has been observed in individual(s) with malignant hyperthermia and/or myopathy (PMID: 32236737, 37937776). ClinVar contains an entry for this variant (Variation ID: 576609). An algorithm developed to predict the effect of missense changes on protein structure and function (PolyPhen-2) suggests that this variant is likely to be tolerated. In summary, the available evidence is currently insufficient to determine the role of this variant in disease. Therefore, it has been classified as a Variant of Uncertain Significance.

All of Us Research Program, National Institutes of Health
Classification: Uncertain significance for Malignant hyperthermia, susceptibility to, 1. Last evaluated: 2024-09-23. Review status: criteria provided, single submitter. Criteria: ACMG Guidelines, 2015. Collection method: clinical testing. Allele origin: germline. Inheritance: Autosomal dominant inheritance. Observed: 12 variant alleles, 12 heterozygotes.
Comment: This missense variant replaces glycine with arginine at codon 2183 of the RYR1 protein. Computational prediction suggests that this variant may have deleterious impact on protein structure and function (internally defined REVEL score threshold >= 0.7, PMID: 27666373). Although functional studies have not been reported for this variant, it occurs in a region of RYR1 considered to be a hotspot for pathogenic variants that contribute to malignant hyperthermia susceptibility (PMID: 21118704). This variant has not been reported in individuals affected with RYR1-related disorders in the literature. This variant has been identified in 13/249232 chromosomes in the general population by the Genome Aggregation Database (gnomAD). The available evidence is insufficient to determine the role of this variant in disease conclusively. Therefore, this variant is classified as a Variant of Uncertain Significance.

This study involves interpretation of variants in research participants for the purpose of population health screening. Participant phenotype was not available at the time of variant classification. Additional details can be found in publication PMID: 35346344, PMCID: PMC8962531

Women's Health and Genetics/Laboratory Corporation of America, LabCorp
Classification: Uncertain significance. Last evaluated: 2024-07-22. Review status: criteria provided, single submitter. Criteria: LabCorp Variant Classification Summary - May 2015. Collection method: clinical testing. Allele origin: germline.
Comment: Variant summary: RYR1 c.6547G>A (p.Gly2183Arg) results in a non-conservative amino acid change located in the RIH domain (IPR000699) of the encoded protein sequence. Three of five in-silico tools predict a damaging effect of the variant on protein function. Consensus agreement among computation tools predict no significant impact on normal splicing. However, these predictions have yet to be confirmed by functional studies. The variant allele was found at a frequency of 5.2e-05 in 249232 control chromosomes. This frequency is not significantly higher than estimated for a pathogenic variant in RYR1 causing Myopathy, RYR1-Associated, allowing no conclusion about variant significance. c.6547G>A has been reported in the literature in individuals affected with Myopathy, RYR1-Associated (Kushnir_2020). These report(s) do not provide unequivocal conclusions about association of the variant with Myopathy, RYR1-Associated. To our knowledge, no experimental evidence demonstrating an impact on protein function has been reported. The following publication have been ascertained in the context of this evaluation (PMID: 32236737). ClinVar contains an entry for this variant (Variation ID: 576609). Based on the evidence outlined above, the variant was classified as uncertain significance.

Color Diagnostics, LLC DBA Color Health
Classification: Uncertain significance for Malignant hyperthermia, susceptibility to, 1. Last evaluated: 2023-12-13. Review status: criteria provided, single submitter. Criteria: ACMG Guidelines, 2015. Collection method: clinical testing. Allele origin: germline.
Comment: This missense variant replaces glycine with arginine at codon 2183 of the RYR1 protein. Computational prediction tool indicates that this variant may have an uncertain impact on protein structure and function. Although functional studies have not been reported for this variant, it occurs in a region of RYR1 considered to be a hotspot for pathogenic variants that contribute to malignant hyperthermia susceptibility (PMID: 21118704). This variant has not been reported in individuals affected with RYR1-related disorders in the literature. This variant has been identified in 13/249232 chromosomes in the general population by the Genome Aggregation Database (gnomAD). The available evidence is insufficient to determine the role of this variant in disease conclusively. Therefore, this variant is classified as a Variant of Uncertain Significance.

Revvity Omics, Revvity
Classification: Uncertain significance. Last evaluated: 2023-04-13. Review status: criteria provided, single submitter. Criteria: ACMG Guidelines, 2015. Collection method: clinical testing. Allele origin: germline.

PreventionGenetics, part of Exact Sciences
Classification: Uncertain significance. Last evaluated: 2015-05-05. Review status: criteria provided, single submitter. Criteria: ACMG Guidelines, 2015. Collection method: clinical testing. Allele origin: germline.

Literature cited by the submitters: PubMed 32236737 (cited by Labcorp Genetics (formerly Invitae), Labcorp and Women's Health and Genetics/Laboratory Corporation of America, LabCorp); PubMed 37937776 (cited by Labcorp Genetics (formerly Invitae), Labcorp); PubMed 21118704 (cited by All of Us Research Program, National Institutes of Health and Color Diagnostics, LLC DBA Color Health).

NM_000540.3(RYR1):c.6547G>A (p.Gly2183Arg)

Gene: RYR1 (ryanodine receptor 1; plus strand). Cytogenetic location: 19q13.2.
Variant type: single nucleotide variant.
Coding change: c.6547G>A on transcript NM_000540.3 (MANE Select); coding-DNA position 6547, G replaced by A.
Protein change: p.Gly2183Arg; replaces glycine 2183 with arginine.
Molecular consequence: missense variant.
Genome position (GRCh38, 1-based): chr19:38,494,624, G>A. VCF-style: chr19-38494624-G-A. GRCh37 (hg19) VCF-style: chr19-38985264-G-A.
Other names: c.6547G>A, p.Gly2183Arg (NM_001042723.2); short protein forms G2183R.
Identifiers: ClinVar variation 576609 (VCV000576609.14), dbSNP rs774275648, ClinGen allele CA068344.